The following is an entry in ClinVar:

ClinVar aggregate classification (germline): Uncertain significance. Review status: criteria provided, multiple submitters, no conflicts (2 of 4 stars). 2 submissions from 2 submitters: Uncertain significance (2). Last evaluated 2025-07-15.

Allele frequency attached by ClinVar (database versions not stated): gnomAD 0.00017; 1000 Genomes Project 30x 0.00031; TOPMed 0.00039; gnomAD exomes 0.00005.
gnomAD v4.1: 104 of 1,550,286 alleles (0.0067%); highest among the groups gnomAD compares: Admixed American, 0.13%; no homozygotes.

Submissions (2):

Ambry Genetics
Classification: Uncertain significance. Last evaluated: 2025-07-15. Review status: criteria provided, single submitter. Criteria: Ambry Variant Classification Scheme 2023. Collection method: clinical testing. Allele origin: germline.

Labcorp Genetics (formerly Invitae), Labcorp
Classification: Uncertain significance. Last evaluated: 2023-10-04. Review status: criteria provided, single submitter. Criteria: Invitae Variant Classification Sherloc (09022015). Collection method: clinical testing. Allele origin: germline.
Comment: This sequence change replaces glycine, which is neutral and non-polar, with alanine, which is neutral and non-polar, at codon 465 of the CCDC141 protein (p.Gly465Ala). This variant is present in population databases (rs763250535, gnomAD 0.1%), and has an allele count higher than expected for a pathogenic variant. This variant has not been reported in the literature in individuals affected with CCDC141-related conditions. ClinVar contains an entry for this variant (Variation ID: 2511017). An algorithm developed to predict the effect of missense changes on protein structure and function (PolyPhen-2) suggests that this variant is likely to be disruptive. In summary, the available evidence is currently insufficient to determine the role of this variant in disease. Therefore, it has been classified as a Variant of Uncertain Significance.

NM_173648.4(CCDC141):c.1394G>C (p.Gly465Ala)

Gene: CCDC141 (coiled-coil domain containing 141; minus strand). Cytogenetic location: 2q31.2.
Variant type: single nucleotide variant.
Coding change: c.1394G>C on transcript NM_173648.4 (MANE Select); coding-DNA position 1394, G replaced by C.
Protein change: p.Gly465Ala; replaces glycine 465 with alanine.
Molecular consequence: missense variant.
Genome position (GRCh38, 1-based): chr2:178,888,540, C>G on the plus strand (G>C on the coding strand, the complement: CCDC141 is on the minus strand). VCF-style: chr2-178888540-C-G. GRCh37 (hg19) VCF-style: chr2-179753267-C-G.
Other names: c.1394G>C, p.Gly465Ala (NM_001316745.2); short protein forms G465A.
Identifiers: ClinVar variation 2511017 (VCV002511017.4), dbSNP rs763250535, ClinGen allele CA61009019.
Genomic context (GRCh38, chr2:178,888,540, plus strand): 5'-TCTATTATCACCAACTTAGATATTTAAGTTTTAGTTTACGAAACTACCTTCCGTAGGTAA[C>G]CCTCCACTGAGGCTGTTAGTTGTTGTTTCTTAAGAGCATATTCCTTGTGCGCTGAACACT-3'
Protein context (NP_775919.3, residues 455-475): KKQQLTASVE[Gly465Ala]YLRKVEMSIQ